The following is an entry in ClinVar:

NM_001291303.3(FAT4):c.7969C>G (p.Leu2657Val)

Gene: FAT4 (FAT atypical cadherin 4; plus strand). Cytogenetic location: 4q28.1.
Variant type: single nucleotide variant.
Coding change: c.7969C>G on transcript NM_001291303.3 (MANE Select); coding-DNA position 7969, C replaced by G.
Protein change: p.Leu2657Val; replaces leucine 2657 with valine.
Molecular consequence: missense variant.
Genome position (GRCh38, 1-based): chr4:125,448,979, C>G. VCF-style: chr4-125448979-C-G. GRCh37 (hg19) VCF-style: chr4-126370134-C-G.
Other names: c.7969C>G, p.Leu2657Val (NM_001291285.3); c.7963C>G, p.Leu2655Val (NM_024582.6); short protein forms L2657V, L2655V.
Identifiers: ClinVar variation 1360153 (VCV001360153.8), dbSNP rs2126057416, ClinGen allele CA358144608.

ClinVar aggregate classification (germline): Uncertain significance (1 of 4 stars; one submission).

Submission:

Labcorp Genetics (formerly Invitae), Labcorp
Classification: Uncertain significance. Last evaluated: 2022-07-25. Review status: criteria provided, single submitter. Criteria: Invitae Variant Classification Sherloc (09022015). Collection method: clinical testing. Allele origin: germline.
Comment: This sequence change replaces leucine, which is neutral and non-polar, with valine, which is neutral and non-polar, at codon 2655 of the FAT4 protein (p.Leu2655Val). This variant is not present in population databases (gnomAD no frequency). In summary, the available evidence is currently insufficient to determine the role of this variant in disease. Therefore, it has been classified as a Variant of Uncertain Significance. Advanced modeling of protein sequence and biophysical properties (such as structural, functional, and spatial information, amino acid conservation, physicochemical variation, residue mobility, and thermodynamic stability) performed at Invitae indicates that this missense variant is not expected to disrupt FAT4 protein function. ClinVar contains an entry for this variant (Variation ID: 1360153). This variant has not been reported in the literature in individuals affected with FAT4-related conditions.